The following is an entry in ClinVar:

ClinVar aggregate classification (germline): Pathogenic. Review status: reviewed by expert panel (3 of 4 stars). 2 submissions from 2 submitters: Pathogenic (1). 1 of the submissions does not count toward it. Last evaluated 2016-10-18.

Conditions:
Breast-ovarian cancer, familial, susceptibility to, 1 (BROVCA1). Also called: BRCA1 Hereditary Breast and Ovarian Cancer; OVARIAN CANCER, SUSCEPTIBILITY TO. Identifiers: Orphanet 145, MedGen C2676676, MONDO:0011450, OMIM 604370. Disease mechanism: loss of function.

gnomAD v4.1: 1 of 1,614,020 alleles (0.000062%); highest among the groups gnomAD compares: South Asian, 0.0011%; no homozygotes.

Submissions (2):

Evidence-based Network for the Interpretation of Germline Mutant Alleles (ENIGMA)
Classification: Pathogenic for Breast-ovarian cancer, familial, susceptibility to, 1. Last evaluated: 2016-10-18. Review status: reviewed by expert panel. Criteria: ENIGMA BRCA1/2 Classification Criteria (2015). Collection method: curation. Allele origin: germline.
Comment: Variant allele predicted to encode a truncated non-functional protein.

Consortium of Investigators of Modifiers of BRCA1/2 (CIMBA), c/o University of Cambridge
Classification: Pathogenic for Breast-ovarian cancer, familial, susceptibility to, 1. Last evaluated: 2015-10-02. Review status: criteria provided, single submitter. Criteria: CIMBA Mutation Classification guidelines May 2016. Collection method: clinical testing. Allele origin: germline. Not counted in ClinVar's aggregate classification.

NM_007294.4(BRCA1):c.2149G>T (p.Glu717Ter)

Gene: BRCA1 (BRCA1 DNA repair associated; minus strand). Cytogenetic location: 17q21.31.
Variant type: single nucleotide variant.
Coding change: c.2149G>T on transcript NM_007294.4 (MANE Select); coding-DNA position 2149, G replaced by T.
Protein change: p.Glu717Ter; replaces glutamic acid 717 with a stop codon.
Molecular consequence: nonsense. On other transcripts: intron variant (137).
Genome position (GRCh38, 1-based): chr17:43,093,382, C>A on the plus strand (G>T on the coding strand, the complement: BRCA1 is on the minus strand). VCF-style: chr17-43093382-C-A. GRCh37 (hg19) VCF-style: chr17-41245399-C-A.
Other names: 2268G>T; c.577+1362G>T (NM_001408513.1, NM_001408489.1, NM_001408479.1 and 9 more transcripts); c.520+1362G>T (NM_001408503.1, NM_001408505.1, NM_001408504.1); c.523+1362G>T (NM_001408500.1, NM_001408497.1, NM_001408496.1 and 3 more transcripts); c.646+1362G>T (NM_001408466.1, NM_001408452.1, NM_001408457.1 and 11 more transcripts); c.787+1362G>T (NM_001407973.1, NM_001408403.1, NM_001407983.1 and 17 more transcripts); c.404-2350G>T (NM_001408511.1); c.461-2350G>T (NM_001408507.1, NM_001408506.1); and 42 more; short protein forms E717*, E670*, E590*, E646*, E647*, E650*, E691*, E714*.
Identifiers: ClinVar variation 266226 (VCV000266226.7), dbSNP rs886040004, ClinGen allele CA10589885.